The following is an entry in ClinVar:

NM_003626.5(PPFIA1):c.3351T>C (p.Leu1117=)

Genes: CTTN-DT (CTTN divergent transcript; minus strand), PPFIA1 (PTPRF interacting protein alpha 1; plus strand). Cytogenetic location: 11q13.3.
Variant type: single nucleotide variant.
Coding change: c.3351T>C on transcript NM_003626.5 (MANE Select); coding-DNA position 3351, T replaced by C.
Protein change: p.Leu1117=; no amino-acid change (leucine 1117 retained).
Molecular consequence: synonymous variant. On other transcripts: non-coding transcript variant (1).
Genome position (GRCh38, 1-based): chr11:70,376,567, T>C. VCF-style: chr11-70376567-T-C. GRCh37 (hg19) VCF-style: chr11-70222673-T-C.
Other names: c.3546T>C, p.Leu1182= (NM_001378006.1); c.3351T>C, p.Leu1117= (NM_177423.3).
Identifiers: ClinVar variation 3058077 (VCV003058077.2), dbSNP rs146522399, ClinGen allele CA6159663.
Genomic context (GRCh38, chr11:70,376,567, plus strand): 5'-ATTTGTTTTTCTTTGGTTATTTCAGGCTCGTGCTGTCTTGGAAAGAGAATTTAACAACCT[T>C]TTGGTCATGGGGACTGATAGAAGGTTTGATGAAGTAAGTTTTTGGCCTAATGTTCTTTAA-3'
Protein context (NP_003617.1, residues 1107-1127): RAVLEREFNN[Leu1117=]LVMGTDRRFD

ClinVar aggregate classification (germline): Likely benign (0 of 4 stars; one submission).

Conditions:
PPFIA1-related disorder. Also called: PPFIA1-related condition.

Allele frequency attached by ClinVar (database versions not stated): ExAC 0.00002; gnomAD 0.00002; gnomAD exomes 0.00002; TOPMed 0.00003; ESP Exome Variant Server 0.00008.
gnomAD v4.1: 33 of 1,613,974 alleles (0.002%); highest among the groups gnomAD compares: Non-Finnish European, 0.0027%; no homozygotes.

Submission:

PreventionGenetics, part of Exact Sciences
Classification: Likely benign for PPFIA1-related condition. Last evaluated: 2019-04-25. Review status: no assertion criteria provided. Collection method: clinical testing. Allele origin: germline.
Comment: This variant is classified as likely benign based on ACMG/AMP sequence variant interpretation guidelines (Richards et al. 2015 PMID: 25741868, with internal and published modifications).